The following is an entry in ClinVar:

NM_030962.4(SBF2):c.2078A>G (p.His693Arg)

Genes: SBF2 (SET binding factor 2; minus strand), LOC101928008 (uncharacterized LOC101928008; plus strand). Cytogenetic location: 11p15.4.
Variant type: single nucleotide variant.
Coding change: c.2078A>G on transcript NM_030962.4 (MANE Select); coding-DNA position 2078, A replaced by G.
Protein change: p.His693Arg; replaces histidine 693 with arginine.
Molecular consequence: missense variant.
Genome position (GRCh38, 1-based): chr11:9,858,248, T>C on the plus strand (A>G on the coding strand, the complement: SBF2 is on the minus strand). VCF-style: chr11-9858248-T-C. GRCh37 (hg19) VCF-style: chr11-9879795-T-C.
Other names: c.2078A>G, p.His693Arg (NM_001386339.1); c.1949A>G, p.His650Arg (NM_001386342.1); short protein forms H693R, H650R.
Identifiers: ClinVar variation 1021530 (VCV001021530.8), dbSNP rs1269738427, ClinGen allele CA379641129.

ClinVar aggregate classification (germline): Uncertain significance. Review status: criteria provided, multiple submitters, no conflicts (2 of 4 stars). 3 submissions from 3 submitters: Uncertain significance (3). Last evaluated 2025-07-02.

Conditions:
Inborn genetic diseases. Identifiers: MedGen C0950123, MeSH D030342.
Charcot-Marie-Tooth disease type 4. Also called: Charcot-Marie-Tooth, Type 4; Charcot-Marie-Tooth disease, type IV. Identifiers: Orphanet 64749, MedGen C4082197, MONDO:0018995.

Allele frequency attached by ClinVar (database versions not stated): gnomAD exomes 0.00001; gnomAD 0.00002; TOPMed 0.00002.
gnomAD v4.1: 14 of 1,614,104 alleles (0.00087%); highest among the groups gnomAD compares: Non-Finnish European, 0.0011%; no homozygotes.

Submissions (3):

Ambry Genetics
Classification: Uncertain significance for Inborn genetic diseases. Last evaluated: 2025-07-02. Review status: criteria provided, single submitter. Criteria: Ambry Variant Classification Scheme 2023. Collection method: clinical testing. Allele origin: germline.

Labcorp Genetics (formerly Invitae), Labcorp
Classification: Uncertain significance for Charcot-Marie-Tooth disease type 4. Last evaluated: 2021-09-01. Review status: criteria provided, single submitter. Criteria: Invitae Variant Classification Sherloc (09022015). Collection method: clinical testing. Allele origin: germline.
Comment: This sequence change replaces histidine with arginine at codon 693 of the SBF2 protein (p.His693Arg). The histidine residue is moderately conserved and there is a small physicochemical difference between histidine and arginine. This variant is not present in population databases (ExAC no frequency). This variant has not been reported in the literature in individuals affected with SBF2-related conditions. Algorithms developed to predict the effect of missense changes on protein structure and function (SIFT, PolyPhen-2, Align-GVGD) all suggest that this variant is likely to be tolerated. In summary, the available evidence is currently insufficient to determine the role of this variant in disease. Therefore, it has been classified as a Variant of Uncertain Significance.

GeneDx
Classification: Uncertain significance. Last evaluated: 2019-08-30. Review status: criteria provided, single submitter. Criteria: GeneDx Variant Classification Process June 2021. Collection method: clinical testing. Allele origin: germline. Affected: yes.
Comment: Not observed at a significant frequency in large population cohorts (Lek et al., 2016); In silico analysis, which includes protein predictors and evolutionary conservation, supports that this variant does not alter protein structure/function; Has not been previously published as pathogenic or benign to our knowledge